The following is an entry in ClinVar:

ClinVar aggregate classification (germline): Uncertain significance (0 of 4 stars; one submission).

Conditions:
COLEC11-related disorder. Also called: COLEC11-related condition.

Allele frequency attached by ClinVar (database versions not stated): gnomAD exomes 0.00001; TOPMed 0.00009; gnomAD 0.00010.
gnomAD v4.1: 28 of 1,550,438 alleles (0.0018%); highest among the groups gnomAD compares: African/African-American, 0.033%; no homozygotes.

Submission:

PreventionGenetics, part of Exact Sciences
Classification: Uncertain significance for COLEC11-related condition. Last evaluated: 2024-01-11. Review status: no assertion criteria provided. Collection method: clinical testing. Allele origin: germline.
Comment: The COLEC11 c.19A>T variant is predicted to result in the amino acid substitution p.Ser7Cys. To our knowledge, this variant has not been reported in the literature. This variant is reported in 0.058% of alleles in individuals of African descent in gnomAD. At this time, the clinical significance of this variant is uncertain due to the absence of conclusive functional and genetic evidence.

NM_024027.5(COLEC11):c.130+1740A>T

Gene: COLEC11 (collectin subfamily member 11; plus strand). Cytogenetic location: 2p25.3.
Variant type: single nucleotide variant.
Coding change: c.130+1740A>T on transcript NM_024027.5 (MANE Select); 1740 bases into the intron after coding-DNA position 130, A replaced by T.
Molecular consequence: intron variant. On other transcripts: missense variant (4).
Genome position (GRCh38, 1-based): chr2:3,606,210, A>T. VCF-style: chr2-3606210-A-T. GRCh37 (hg19) VCF-style: chr2-3653800-A-T.
Other names: c.19A>T, p.Ser7Cys (NM_001255986.1, NM_001255987.1, NM_001255988.1 and 1 more transcripts); c.42+1740A>T (NM_199235.3); c.130+1740A>T (NM_001255983.2, NM_001255982.2, NM_001255984.2); c.172+1740A>T (NM_001255985.1); short protein forms S7C.
Identifiers: ClinVar variation 3031611 (VCV003031611.2), dbSNP rs113532503, ClinGen allele CA41523920.